The following is an entry in ClinVar:

NM_001128840.3(CACNA1D):c.4587G>C (p.Lys1529Asn)

Gene: CACNA1D (calcium voltage-gated channel subunit alpha1 D; plus strand). Cytogenetic location: 3p21.1.
Variant type: single nucleotide variant.
Coding change: c.4587G>C on transcript NM_001128840.3 (MANE Select); coding-DNA position 4587, G replaced by C.
Protein change: p.Lys1529Asn; replaces lysine 1529 with asparagine.
Molecular consequence: missense variant.
Genome position (GRCh38, 1-based): chr3:53,776,956, G>C. VCF-style: chr3-53776956-G-C. GRCh37 (hg19) VCF-style: chr3-53810983-G-C.
Other names: c.4647G>C, p.Lys1549Asn (NM_000720.4); c.4542G>C, p.Lys1514Asn (NM_001128839.3); short protein forms K1514N, K1529N, K1549N.
Identifiers: ClinVar variation 1313874 (VCV001313874.5), dbSNP rs2095401301, ClinGen allele CA353244106.

ClinVar aggregate classification (germline): Uncertain significance. Review status: criteria provided, multiple submitters, no conflicts (2 of 4 stars). 2 submissions from 2 submitters: Uncertain significance (2). Last evaluated 2023-06-15.

Allele frequency attached by ClinVar (database versions not stated): TOPMed below 0.00001; gnomAD 0.00001.
gnomAD v4.1: 1 of 1,610,794 alleles (0.000062%); highest among the groups gnomAD compares: Non-Finnish European, 0.000085%; no homozygotes.

Submissions (2):

Labcorp Genetics (formerly Invitae), Labcorp
Classification: Uncertain significance. Last evaluated: 2023-06-15. Review status: criteria provided, single submitter. Criteria: Invitae Variant Classification Sherloc (09022015). Collection method: clinical testing. Allele origin: germline.
Comment: In summary, the available evidence is currently insufficient to determine the role of this variant in disease. Therefore, it has been classified as a Variant of Uncertain Significance. Variants that disrupt the consensus splice site are a relatively common cause of aberrant splicing (PMID: 17576681, 9536098). Algorithms developed to predict the effect of sequence changes on RNA splicing suggest that this variant may disrupt the consensus splice site. An algorithm developed to predict the effect of missense changes on protein structure and function (PolyPhen-2) suggests that this variant is likely to be disruptive. ClinVar contains an entry for this variant (Variation ID: 1313874). This variant has not been reported in the literature in individuals affected with CACNA1D-related conditions. This sequence change affects codon 1549 of the CACNA1D mRNA. It is a 'silent' change, meaning that it does not change the encoded amino acid sequence of the CACNA1D protein. This variant also falls at the last nucleotide of exon 38, which is part of the consensus splice site for this exon. This variant is not present in population databases (gnomAD no frequency).

GeneDx
Classification: Uncertain significance. Last evaluated: 2021-01-08. Review status: criteria provided, single submitter. Criteria: GeneDx Variant Classification Process June 2021. Collection method: clinical testing. Allele origin: germline. Affected: yes.
Comment: Not observed in large population cohorts (Lek et al., 2016); In silico analysis supports that this missense variant has a deleterious effect on protein structure/function; Has not been previously published as pathogenic or benign to our knowledge

Literature cited by the submitters: PubMed 17576681 (cited by Labcorp Genetics (formerly Invitae), Labcorp); PubMed 9536098 (cited by Labcorp Genetics (formerly Invitae), Labcorp).